The following is an entry in ClinVar:

NM_001037160.3(CYS1):c.192dup (p.Asp65fs)

Genes: CYS1 (cystin 1; minus strand), LOC129933088 (ATAC-STARR-seq lymphoblastoid silent region 11155; plus strand). Cytogenetic location: 2p25.1.
Variant type: Duplication.
Coding change: c.192dup on transcript NM_001037160.3 (MANE Select); coding-DNA position 192, one base duplicated (C; older notation c.192dupC).
Protein change: p.Asp65fs; shifts the reading frame from aspartic acid 65.
Molecular consequence: frameshift variant.
Genome position (GRCh38, 1-based): chr2:10,080,032, G duplicated on the plus strand (C on the coding strand, the reverse complement: CYS1 is on the minus strand); the first of 6 consecutive G bases (chr2:10,080,032-10,080,037); duplicating any one gives the same sequence. VCF-style (leftmost placement, unchanged base first): chr2-10080031-C-CG. GRCh37 (hg19) VCF-style: chr2-10220158-C-CG.
Other names: short protein forms D65fs.
Identifiers: ClinVar variation 4818968 (VCV004818968.1).

ClinVar aggregate classification (germline): Uncertain significance (1 of 4 stars; one submission).

Conditions:
Polycystic kidney disease. Also called: Kidney, Polycystic; Polycystic kidney dysplasia. Identifiers: MedGen C0022680, MeSH D007690, MONDO:0020642, HP:0000113.

Submission:

Victorian Clinical Genetics Services, Murdoch Childrens Research Institute
Classification: Uncertain significance for Polycystic kidney disease. Last evaluated: 2025-12-12. Review status: criteria provided, single submitter. Criteria: ACMG Guidelines, 2015. Collection method: clinical testing. Allele origin: germline. Affected: yes.
Comment: This variant is classified as VUS-3B. Evidence in support of pathogenic classification: Variant is predicted to result in a truncated protein (premature termination codon is NOT located at least 54 nucleotides upstream of the final exon-exon junction) with at least 1/3 of the protein sequence affected; Variant is present in gnomAD <0.01 for a recessive condition (v4: 20 heterozygote(s), 0 homozygote(s)). Additional information: This variant is homozygous; This gene is associated with autosomal recessive disease, however, the evidence for this gene-disease association is currently limited (PMID: 34521872); This variant has no previous evidence of pathogenicity; No published evidence of segregation with disease has been identified for this variant; No published functional evidence has been identified for this variant; No comparable truncation variants have previous evidence for pathogenicity; Variant is located in the annotated Cystin-1 domain (DECIPHER); The mechanism of disease for this gene is not clearly established; Inheritance information for this variant is not currently available in this individual.

Literature cited by the submitters: PubMed 34521872.